The following is an entry in ClinVar:

ClinVar aggregate classification (germline): Likely benign (1 of 4 stars; one submission).

Submission:

CeGaT Center for Human Genetics Tuebingen
Classification: Likely benign. Last evaluated: 2023-02-01. Review status: criteria provided, single submitter. Criteria: CeGaT Center For Human Genetics Tuebingen Variant Classification Criteria Version 2. Collection method: clinical testing. Allele origin: germline. Affected: yes. Observed: 1 variant allele.
Comment: IRF2BPL: BP4, BP7

NM_024496.4(IRF2BPL):c.1578C>T (p.Ala526=)

Gene: IRF2BPL (interferon regulatory factor 2 binding protein like; minus strand). Cytogenetic location: 14q24.3.
Variant type: single nucleotide variant.
Coding change: c.1578C>T on transcript NM_024496.4 (MANE Select); coding-DNA position 1578, C replaced by T.
Protein change: p.Ala526=; no amino-acid change (alanine 526 retained).
Molecular consequence: synonymous variant.
Genome position (GRCh38, 1-based): chr14:77,026,215, G>A on the plus strand (C>T on the coding strand, the complement: IRF2BPL is on the minus strand). VCF-style: chr14-77026215-G-A. GRCh37 (hg19) VCF-style: chr14-77492558-G-A.
Identifiers: ClinVar variation 2644382 (VCV002644382.24), dbSNP rs949756582, ClinGen allele CA263777998.
Genomic context (GRCh38, chr14:77,026,215, plus strand): 5'-GGCCTTTCTCTTGCGCAGGCTGGCGGCTGCGCCCCGGCCCGACGGCGCGGCGGGCGGCAA[G>A]GCCCCGGTCCCCGGGGGTGCGCTGGGGGCGCGGCTCAGACTCACCAGAGCAGTGGGCAGC-3'
Protein context (NP_078772.1, residues 516-536): RAPSAPPGTG[Ala526=]LPPAAPSGRG